The following is an entry in ClinVar:

NM_001042681.2(RERE):c.3635C>T (p.Ala1212Val)

Gene: RERE (arginine-glutamic acid dipeptide repeats; minus strand). Cytogenetic location: 1p36.23.
Variant type: single nucleotide variant.
Coding change: c.3635C>T on transcript NM_001042681.2 (MANE Select); coding-DNA position 3635, C replaced by T.
Protein change: p.Ala1212Val; replaces alanine 1212 with valine.
Molecular consequence: missense variant.
Genome position (GRCh38, 1-based): chr1:8,358,900, G>A on the plus strand (C>T on the coding strand, the complement: RERE is on the minus strand). VCF-style: chr1-8358900-G-A. GRCh37 (hg19) VCF-style: chr1-8418960-G-A.
Other names: c.1973C>T, p.Ala658Val (NM_001042682.2); c.3635C>T, p.Ala1212Val (NM_012102.4); c.3635C>T (NM_012102.3); short protein forms A658V, A1212V.
Identifiers: ClinVar variation 2159150 (VCV002159150.9), dbSNP rs374813758, ClinGen allele CA571028.

ClinVar aggregate classification (germline): Conflicting classifications of pathogenicity. Review status: criteria provided, conflicting classifications (1 of 4 stars). 4 submissions from 4 submitters: Uncertain significance (3); Likely benign (1). Last evaluated 2025-12-06.

Conditions:
Neurodevelopmental disorder with or without anomalies of the brain, eye, or heart (NEDBEH). Identifiers: Orphanet 494344, MedGen C5567477, MONDO:0014857, OMIM 616975.
Inborn genetic diseases. Identifiers: MedGen C0950123, MeSH D030342.

Allele frequency attached by ClinVar (database versions not stated): gnomAD 0.00004; gnomAD exomes 0.00004; ExAC 0.00006; TOPMed 0.00006; ESP Exome Variant Server 0.00008.
gnomAD v4.1: 64 of 1,543,812 alleles (0.0041%); highest among the groups gnomAD compares: Middle Eastern, 0.018%; no homozygotes.

Submissions (4):

Labcorp Genetics (formerly Invitae), Labcorp
Classification: Likely benign. Last evaluated: 2025-12-06. Review status: criteria provided, single submitter. Criteria: Invitae Variant Classification Sherloc (09022015). Collection method: clinical testing. Allele origin: germline.

Pittsburgh Clinical Genomics Laboratory, University of Pittsburgh Medical Center
Classification: Uncertain significance for Neurodevelopmental disorder with or without anomalies of the brain, eye, or heart. Last evaluated: 2022-08-26. Review status: criteria provided, single submitter. Criteria: ACMG Guidelines, 2015. Collection method: clinical testing. Allele origin: germline. Inheritance: Autosomal dominant inheritance. Affected: yes.
Comment: This sequence variant is a single nucleotide substitution (C>T) at coding nucleotide 3635 of the RERE gene that results in an alanine to valine amino acid change at residue 1212 of the RERE protein. This variant is not found in an online database of clinically annotated variants (ClinVar) and has not been observed in individuals with a RERE-realted disorder in the published literature, to our knowledge. This variant is present in 11 of 227,214 alleles (0.005%) in the gnomAD control population database. Multiple bioinformatic tools predict that this alanine to valine amino acid change would be damaging, and the Ala1212 residue is strongly conserved across the vertebrate species examined. Studies examining the functiol consequence of this variant have not been published, to our knowledge. At this time, there is insufficient evidence to determine if this variant is pathogenic or benign. Therefore, we consider this a variant of uncertain significance. ACMG Criteria: BP1, PM2, PP3

Revvity Omics, Revvity
Classification: Uncertain significance for Neurodevelopmental disorder with or without anomalies of the brain, eye, or heart. Last evaluated: 2022-01-12. Review status: criteria provided, single submitter. Criteria: ACMG Guidelines, 2015. Collection method: clinical testing. Allele origin: germline.

Ambry Genetics
Classification: Uncertain significance for Inborn genetic diseases. Last evaluated: 2021-12-16. Review status: criteria provided, single submitter. Criteria: Ambry Variant Classification Scheme 2023. Collection method: clinical testing. Allele origin: germline.